The following is an entry in ClinVar:

NM_000256.3(MYBPC3):c.1724del (p.Gly575fs)

Gene: MYBPC3 (myosin binding protein C3; minus strand). Cytogenetic location: 11p11.2.
Variant type: Deletion.
Coding change: c.1724del on transcript NM_000256.3 (MANE Select); coding-DNA position 1724, one base deleted (G; older notation c.1724delG).
Protein change: p.Gly575fs; shifts the reading frame from glycine 575.
Molecular consequence: frameshift variant.
Genome position (GRCh38, 1-based): chr11:47,342,057, C deleted on the plus strand (G on the coding strand, the reverse complement: MYBPC3 is on the minus strand); the first of 4 consecutive C bases (chr11:47,342,057-47,342,060); deleting any one gives the same sequence. VCF-style (leftmost placement, unchanged base first): chr11-47342056-AC-A. GRCh37 (hg19) VCF-style: chr11-47363607-AC-A.
Other names: p.Gly575Valfs*4; short protein forms G575fs.
Identifiers: ClinVar variation 2845356 (VCV002845356.4), dbSNP rs2495761254, ClinGen allele CA2739270440.

ClinVar aggregate classification (germline): Pathogenic/Likely pathogenic. Review status: criteria provided, multiple submitters, no conflicts (2 of 4 stars). 2 submissions from 2 submitters: Pathogenic (1); Likely pathogenic (1). Last evaluated 2025-11-16.

Conditions:
Hypertrophic cardiomyopathy. Also called: HYPERTROPHIC MYOCARDIOPATHY. Identifiers: Orphanet 217569, MedGen C0007194, MeSH D002312, MONDO:0005045, HP:0001639.

Submissions (2):

Labcorp Genetics (formerly Invitae), Labcorp
Classification: Pathogenic for Hypertrophic cardiomyopathy. Last evaluated: 2025-11-16. Review status: criteria provided, single submitter. Criteria: Invitae Variant Classification Sherloc (09022015). Collection method: clinical testing. Allele origin: germline.
Comment: This sequence change creates a premature translational stop signal (p.Gly575Valfs*4) in the MYBPC3 gene. It is expected to result in an absent or disrupted protein product. Loss-of-function variants in MYBPC3 are known to be pathogenic (PMID: 19574547). This variant is not present in population databases (gnomAD no frequency). This variant has not been reported in the literature in individuals affected with MYBPC3-related conditions. ClinVar contains an entry for this variant (Variation ID: 2845356). For these reasons, this variant has been classified as Pathogenic.

Mayo Clinic Laboratories, Mayo Clinic
Classification: Likely pathogenic. Last evaluated: 2025-11-13. Review status: criteria provided, single submitter. Criteria: ACMG Guidelines, 2015. Collection method: clinical testing. Allele origin: germline. Observed: 1 variant allele.
Comment: PM2_supporting, PVS1

Literature cited by the submitters: PubMed 19574547 (cited by Labcorp Genetics (formerly Invitae), Labcorp).